The following is an entry in ClinVar:

ClinVar aggregate classification (germline): Uncertain significance. Review status: criteria provided, multiple submitters, no conflicts (2 of 4 stars). 5 submissions from 5 submitters: Uncertain significance (4). 1 of the submissions does not count toward it. Last evaluated 2025-12-03.

Conditions:
Cardiovascular phenotype. Identifiers: MedGen CN230736.
Cardiofaciocutaneous syndrome 4 (CFC4). Also called: MAP2K2-Related Cardiofaciocutaneous Syndrome. Identifiers: Orphanet 1340, MedGen C3809007, MONDO:0014114, OMIM 615280.
RASopathy. Also called: rasopathies; Noonan spectrum disorder. Identifiers: Orphanet 536391, MedGen C5555857, MONDO:0021060.

Allele frequency attached by ClinVar (database versions not stated): gnomAD 0.00001; ExAC 0.00002; gnomAD exomes 0.00001 and 0.00002; TOPMed 0.00001.
gnomAD v4.1: 26 of 1,612,944 alleles (0.0016%); highest among the groups gnomAD compares: East Asian, 0.0067%; no homozygotes.

Submissions (5):

Labcorp Genetics (formerly Invitae), Labcorp
Classification: Uncertain significance for RASopathy. Last evaluated: 2025-12-03. Review status: criteria provided, single submitter. Criteria: Invitae Variant Classification Sherloc (09022015). Collection method: clinical testing. Allele origin: germline.
Comment: This sequence change replaces arginine, which is basic and polar, with tryptophan, which is neutral and slightly polar, at codon 313 of the MAP2K2 protein (p.Arg313Trp). This variant is present in population databases (rs772831628, gnomAD 0.003%). This variant has not been reported in the literature in individuals affected with MAP2K2-related conditions. ClinVar contains an entry for this variant (Variation ID: 280685). Invitae Evidence Modeling of protein sequence and biophysical properties (such as structural, functional, and spatial information, amino acid conservation, physicochemical variation, residue mobility, and thermodynamic stability) indicates that this missense variant is not expected to disrupt MAP2K2 protein function with a negative predictive value of 95%. In summary, the available evidence is currently insufficient to determine the role of this variant in disease. Therefore, it has been classified as a Variant of Uncertain Significance.

Ambry Genetics
Classification: Uncertain significance for Cardiovascular phenotype. Last evaluated: 2025-05-01. Review status: criteria provided, single submitter. Criteria: Ambry Variant Classification Scheme 2023. Collection method: clinical testing. Allele origin: germline.
Comment: The p.R313W variant (also known as c.937C>T), located in coding exon 8 of the MAP2K2 gene, results from a C to T substitution at nucleotide position 937. The arginine at codon 313 is replaced by tryptophan, an amino acid with dissimilar properties. This variant has been reported in a cardiac conduction system disease cohort (Hayashi K et al. Cardiovasc Res, 2020 Nov;116:2116-2130). This amino acid position is highly conserved in available vertebrate species. In addition, this alteration is predicted to be deleterious by in silico analysis. Based on the available evidence, the clinical significance of this variant remains unclear.

Fulgent Genetics
Classification: Uncertain significance for Cardiofaciocutaneous syndrome 4. Last evaluated: 2024-04-19. Review status: criteria provided, single submitter. Criteria: ACMG Guidelines, 2015. Collection method: clinical testing. Allele origin: germline.

GeneDx
Classification: Uncertain significance. Last evaluated: 2023-03-31. Review status: criteria provided, single submitter. Criteria: GeneDx Variant Classification Process June 2021. Collection method: clinical testing. Allele origin: germline. Affected: yes.
Comment: Missense variants in this gene are often considered pathogenic (HGMD); In silico analysis supports that this missense variant has a deleterious effect on protein structure/function; This variant is associated with the following publications: (PMID: 29493581, 31977013)

Institute of Human Genetics, University of Goettingen
Classification: Uncertain significance for Cardiofaciocutaneous syndrome 4. Last evaluated: 2018-06-28. Review status: no assertion criteria provided. Collection method: clinical testing. Allele origin: germline. Inheritance: Autosomal dominant inheritance. Affected: yes. Observed: 1 variant allele, 1 heterozygote. Not counted in ClinVar's aggregate classification.

Literature cited by the submitters: PubMed 31977013 (cited by Ambry Genetics).

NM_030662.4(MAP2K2):c.937C>T (p.Arg313Trp)

Gene: MAP2K2 (mitogen-activated protein kinase kinase 2; minus strand). Cytogenetic location: 19p13.3.
Variant type: single nucleotide variant.
Coding change: c.937C>T on transcript NM_030662.4 (MANE Select); coding-DNA position 937, C replaced by T.
Protein change: p.Arg313Trp; replaces arginine 313 with tryptophan.
Molecular consequence: missense variant.
Genome position (GRCh38, 1-based): chr19:4,097,326, G>A on the plus strand (C>T on the coding strand, the complement: MAP2K2 is on the minus strand). VCF-style: chr19-4097326-G-A. GRCh37 (hg19) VCF-style: chr19-4097324-G-A.
Other names: short protein forms R313W.
Identifiers: ClinVar variation 280685 (VCV000280685.14), dbSNP rs772831628, ClinGen allele CA9090759.
Genomic context (GRCh38, chr19:4,097,326, plus strand): 5'-ATCAAGCACAAACCTCGTTCACAATATAGTCCAGGAGTTCAAAGATGGCCATGGCAGGCC[G>A]GCTATCCATCCCGTGACCTGCACAGGGAGAGAGATGGAGGTGAGATGGGCCGATGGCCAC-3'
Protein context (NP_109587.1, residues 303-323): RPVSGHGMDS[Arg313Trp]PAMAIFELLD